The following is an entry in ClinVar:

ClinVar aggregate classification (germline): Uncertain significance (1 of 4 stars; one submission).

Conditions:
LAMA2-related muscular dystrophy (LAMA2-RD). Also called: Laminin alpha 2-related dystrophy. Identifiers: MedGen C5679788, MONDO:0100228.

Allele frequency attached by ClinVar (database versions not stated): gnomAD exomes below 0.00001.
gnomAD v4.1: 1 of 1,612,478 alleles (0.000062%); highest among the groups gnomAD compares: Non-Finnish European, 0.000085%; no homozygotes.

Submission:

Labcorp Genetics (formerly Invitae), Labcorp
Classification: Uncertain significance for LAMA2-related muscular dystrophy. Last evaluated: 2022-07-18. Review status: criteria provided, single submitter. Criteria: Invitae Variant Classification Sherloc (09022015). Collection method: clinical testing. Allele origin: germline.
Comment: This sequence change replaces valine, which is neutral and non-polar, with methionine, which is neutral and non-polar, at codon 2148 of the LAMA2 protein (p.Val2148Met). This variant is not present in population databases (gnomAD no frequency). This variant has not been reported in the literature in individuals affected with LAMA2-related conditions. ClinVar contains an entry for this variant (Variation ID: 1469170). Advanced modeling of protein sequence and biophysical properties (such as structural, functional, and spatial information, amino acid conservation, physicochemical variation, residue mobility, and thermodynamic stability) performed at Invitae indicates that this missense variant is not expected to disrupt LAMA2 protein function. In summary, the available evidence is currently insufficient to determine the role of this variant in disease. Therefore, it has been classified as a Variant of Uncertain Significance.

NM_000426.4(LAMA2):c.6442G>A (p.Val2148Met)

Gene: LAMA2 (laminin subunit alpha 2; plus strand). Cytogenetic location: 6q22.33.
Variant type: single nucleotide variant.
Coding change: c.6442G>A on transcript NM_000426.4 (MANE Select); coding-DNA position 6442, G replaced by A.
Protein change: p.Val2148Met; replaces valine 2148 with methionine.
Molecular consequence: missense variant.
Genome position (GRCh38, 1-based): chr6:129,453,000, G>A. VCF-style: chr6-129453000-G-A. GRCh37 (hg19) VCF-style: chr6-129774145-G-A.
Other names: c.6442G>A, p.Val2148Met (NM_001079823.2); short protein forms V2148M.
Identifiers: ClinVar variation 1469170 (VCV001469170.5), dbSNP rs2114788535, ClinGen allele CA365616364.